The following is an entry in ClinVar:

NM_024741.3(ZNF408):c.1312G>C (p.Ala438Pro)

Gene: ZNF408 (zinc finger protein 408; plus strand). Cytogenetic location: 11p11.2.
Variant type: single nucleotide variant.
Coding change: c.1312G>C on transcript NM_024741.3 (MANE Select); coding-DNA position 1312, G replaced by C.
Protein change: p.Ala438Pro; replaces alanine 438 with proline.
Molecular consequence: missense variant.
Genome position (GRCh38, 1-based): chr11:46,705,012, G>C. VCF-style: chr11-46705012-G-C. GRCh37 (hg19) VCF-style: chr11-46726562-G-C.
Other names: c.1288G>C, p.Ala430Pro (NM_001184751.2); short protein forms A430P, A438P.
Identifiers: ClinVar variation 2175051 (VCV002175051.5), dbSNP rs372234249, ClinGen allele CA380255672.

ClinVar aggregate classification (germline): Uncertain significance. Review status: criteria provided, multiple submitters, no conflicts (2 of 4 stars). 2 submissions from 2 submitters: Uncertain significance (2). Last evaluated 2022-06-23.

Submissions (2):

Labcorp Genetics (formerly Invitae), Labcorp
Classification: Uncertain significance. Last evaluated: 2022-06-23. Review status: criteria provided, single submitter. Criteria: Invitae Variant Classification Sherloc (09022015). Collection method: clinical testing. Allele origin: germline.
Comment: This sequence change replaces alanine, which is neutral and non-polar, with proline, which is neutral and non-polar, at codon 438 of the ZNF408 protein (p.Ala438Pro). In summary, the available evidence is currently insufficient to determine the role of this variant in disease. Therefore, it has been classified as a Variant of Uncertain Significance. Algorithms developed to predict the effect of missense changes on protein structure and function are either unavailable or do not agree on the potential impact of this missense change (SIFT: "Deleterious"; PolyPhen-2: "Probably Damaging"; Align-GVGD: "Class C0"). This variant has not been reported in the literature in individuals affected with ZNF408-related conditions. This variant is not present in population databases (gnomAD no frequency).

Blueprint Genetics
Classification: Uncertain significance. Last evaluated: 2021-12-07. Review status: criteria provided, single submitter. Criteria: ACMG Guidelines, 2015. Collection method: clinical testing. Allele origin: germline.